The following is an entry in ClinVar:

ClinVar aggregate classification (germline): Benign. Review status: criteria provided, multiple submitters, no conflicts (2 of 4 stars). 6 submissions from 6 submitters: Benign (5). 1 of the submissions does not count toward it. Last evaluated 2026-02-04.

Conditions:
Usher syndrome type 2C. Also called: Usher syndrome, type 2B; USHER SYNDROME, TYPE IIC. Identifiers: Orphanet 231178, Orphanet 886, MedGen C2931213, MONDO:0011558, OMIM 605472.

Allele frequency attached by ClinVar (database versions not stated): TOPMed 0.03006; gnomAD 0.03149; 1000 Genomes Project 30x 0.07948; 1000 Genomes Project 0.08646; ESP Exome Variant Server 0.00942.
gnomAD v4.1: 44,903 of 1,613,782 alleles (2.8%); highest among the groups gnomAD compares: East Asian, 29%; 2,912 homozygotes.

Submissions (6):

Labcorp Genetics (formerly Invitae), Labcorp
Classification: Benign. Last evaluated: 2026-02-04. Review status: criteria provided, single submitter. Criteria: Invitae Variant Classification Sherloc (09022015). Collection method: clinical testing. Allele origin: germline.

Illumina Laboratory Services, Illumina
Classification: Benign for Usher syndrome type 2C. Last evaluated: 2018-01-13. Review status: criteria provided, single submitter. Criteria: ICSL Variant Classification Criteria 13 December 2019. Collection method: clinical testing. Allele origin: germline.
Comment: This variant was observed in the ICSL laboratory as part of a predisposition screen in an ostensibly healthy population. It had not been previously curated by ICSL or reported in the Human Gene Mutation Database (HGMD: prior to June 1st, 2018), and was therefore a candidate for classification through an automated scoring system. Utilizing variant allele frequency, disease prevalence and penetrance estimates, and inheritance mode, an automated score was calculated to assess if this variant is too frequent to cause the disease. Based on the score and internal cut-off values, a variant classified as benign is not then subjected to further curation. The score for this variant resulted in a classification of benign for this disease.

Athena Diagnostics
Classification: Benign. Last evaluated: 2017-12-11. Review status: criteria provided, single submitter. Criteria: Athena Diagnostics Criteria. Collection method: clinical testing. Allele origin: germline.

GeneDx
Classification: Benign. Last evaluated: 2013-02-27. Review status: criteria provided, single submitter. Criteria: GeneDx Variant Classification (06012015). Collection method: clinical testing. Allele origin: germline. Affected: yes.
Comment: This variant is considered likely benign or benign based on one or more of the following criteria: it is a conservative change, it occurs at a poorly conserved position in the protein, it is predicted to be benign by multiple in silico algorithms, and/or has population frequency not consistent with disease.

Laboratory for Molecular Medicine, Mass General Brigham Personalized Medicine
Classification: Benign. Last evaluated: 2010-03-16. Review status: criteria provided, single submitter. Criteria: LMM Criteria. Collection method: clinical testing. Allele origin: germline. Observed: 108 variant alleles.

Genetic Services Laboratory, University of Chicago
Classification: Likely benign. Review status: no assertion criteria provided. Collection method: clinical testing. Allele origin: germline. Inheritance: Autosomal dominant inheritance. Not counted in ClinVar's aggregate classification.
Comment: Likely benign based on allele frequency in 1000 Genomes Project or ESP global frequency and its presence in a patient with a rare or unrelated disease phenotype. NOT Sanger confirmed

NM_032119.4(ADGRV1):c.16248C>T (p.Val5416=)

Gene: ADGRV1 (adhesion G protein-coupled receptor V1; plus strand). Cytogenetic location: 5q14.3.
Variant type: single nucleotide variant.
Coding change: c.16248C>T on transcript NM_032119.4 (MANE Select); coding-DNA position 16248, C replaced by T.
Protein change: p.Val5416=; no amino-acid change (valine 5416 retained).
Molecular consequence: synonymous variant. On other transcripts: non-coding transcript variant (1).
Genome position (GRCh38, 1-based): chr5:90,823,476, C>T. VCF-style: chr5-90823476-C-T. GRCh37 (hg19) VCF-style: chr5-90119293-C-T.
Other names: p.V5416V:GTC>GTT.
Identifiers: ClinVar variation 46284 (VCV000046284.21), dbSNP rs3763073, ClinGen allele CA138055.